The following is an entry in ClinVar:

NM_001267550.2(TTN):c.100796T>C (p.Leu33599Pro)

Genes: TTN (titin; minus strand), TTN-AS1 (TTN antisense RNA 1; plus strand). Cytogenetic location: 2q31.2.
Variant type: single nucleotide variant.
Coding change: c.100796T>C on transcript NM_001267550.2 (MANE Select); coding-DNA position 100796, T replaced by C.
Protein change: p.Leu33599Pro; replaces leucine 33599 with proline.
Molecular consequence: missense variant. On other transcripts: non-coding transcript variant (1).
Genome position (GRCh38, 1-based): chr2:178,535,819, A>G on the plus strand (T>C on the coding strand, the complement: TTN is on the minus strand). VCF-style: chr2-178535819-A-G. GRCh37 (hg19) VCF-style: chr2-179400546-A-G.
Other names: c.95873T>C, p.Leu31958Pro (NM_001256850.1); c.73601T>C, p.Leu24534Pro (NM_003319.4); c.93092T>C, p.Leu31031Pro (NM_133378.4); c.73976T>C, p.Leu24659Pro (NM_133432.3); c.74177T>C, p.Leu24726Pro (NM_133437.4); short protein forms L24534P, L24726P, L33599P, L24659P, L31031P, L31958P.
Identifiers: ClinVar variation 1040116 (VCV001040116.7), dbSNP rs775361062, ClinGen allele CA1985979.
Genomic context (GRCh38, chr2:178,535,819, plus strand): 5'-AAAGGAATCTTGATGCTGACCACTTCACCTCGGAGAGCATGAACTGCTCCCATGCCTTCA[A>G]GAGTTTTAGGTAAGTGTATCTTAGCTGGAACTGTATCAGAAAAAAAAAAAAAAAGAATAT-3'
Protein context (NP_001254479.2, residues 33589-33609): VPAKIHLPKT[Leu33599Pro]EGMGAVHALR

ClinVar aggregate classification (germline): Uncertain significance (1 of 4 stars; one submission).

Conditions:
Dilated cardiomyopathy 1G (CMD1G). Identifiers: Orphanet 154, MedGen C1858763, MONDO:0011400, OMIM 604145.
Autosomal recessive limb-girdle muscular dystrophy type 2J (LGMDR10). Also called: Limb-girdle muscular dystrophy, type 2J; MUSCULAR DYSTROPHY, LIMB-GIRDLE, AUTOSOMAL RECESSIVE 10. Identifiers: Orphanet 140922, MedGen C1837342, MONDO:0012127, OMIM 608807.

Allele frequency attached by ClinVar (database versions not stated): gnomAD exomes below 0.00001; ExAC 0.00001.

Submission:

Labcorp Genetics (formerly Invitae), Labcorp
Classification: Uncertain significance for Dilated cardiomyopathy 1G; Autosomal recessive limb-girdle muscular dystrophy type 2J. Last evaluated: 2023-01-19. Review status: criteria provided, single submitter. Criteria: Invitae Variant Classification Sherloc (09022015). Collection method: clinical testing. Allele origin: germline.
Comment: This sequence change replaces leucine, which is neutral and non-polar, with proline, which is neutral and non-polar, at codon 33599 of the TTN protein (p.Leu33599Pro). This variant is present in population databases (rs775361062, gnomAD 0.007%). This variant has not been reported in the literature in individuals affected with TTN-related conditions. ClinVar contains an entry for this variant (Variation ID: 1040116). In summary, the available evidence is currently insufficient to determine the role of this variant in disease. Therefore, it has been classified as a Variant of Uncertain Significance. This variant is located in the M band of TTN (PMID: 25589632). Variants in this region may be relevant for neuromuscular disorders, but have not been definitively shown to cause cardiomyopathy (PMID: 23975875). Experimental studies and prediction algorithms are not available or were not evaluated, and the functional significance of this variant is currently unknown.

Literature cited by the submitters: PubMed 25589632; PubMed 23975875.